The following is an entry in ClinVar:

NM_054027.6(ANKH):c.*2392G>T

Genes: ANKH (ANKH inorganic pyrophosphate transport regulator; minus strand), OTULIN (OTU deubiquitinase with linear linkage specificity; plus strand). Cytogenetic location: 5p15.2.
Variant type: single nucleotide variant.
Coding change: c.*2392G>T on transcript NM_054027.6 (MANE Select); 2392 bases downstream of the stop codon, G replaced by T.
Molecular consequence: 3 prime UTR variant.
Genome position (GRCh38, 1-based): chr5:14,708,805, C>A on the plus strand (G>T on the coding strand, the complement: ANKH is on the minus strand). VCF-style: chr5-14708805-C-A. GRCh37 (hg19) VCF-style: chr5-14708914-C-A.
Identifiers: ClinVar variation 351448 (VCV000351448.5), dbSNP rs185488764, ClinGen allele CA10623170.

ClinVar aggregate classification (germline): Benign. Review status: criteria provided, single submitter (1 of 4 stars). 2 submissions from 1 submitter: Benign (2). Last evaluated 2018-01-12.

Conditions:
Chondrocalcinosis 2. Also called: CALCIUM GOUT; CALCIUM PYROPHOSPHATE ARTHROPATHY; Familial calcium pyrophosphate deposition. Identifiers: Orphanet 1416, MedGen C0856830, MONDO:0007319, OMIM 118600.
Craniometaphyseal dysplasia, autosomal dominant (CMDD). Identifiers: Orphanet 1522, MedGen C1852502, MONDO:0007397, OMIM 123000.

Allele frequency attached by ClinVar (database versions not stated): gnomAD 0.00059 and 0.00060; TOPMed 0.00078; 1000 Genomes Project 0.00160; 1000 Genomes Project 30x 0.00203.

Submissions (2):

Illumina Laboratory Services, Illumina
Classification: Benign for Chondrocalcinosis 2. Last evaluated: 2018-01-12. Review status: criteria provided, single submitter. Criteria: ICSL Variant Classification Criteria 13 December 2019. Collection method: clinical testing. Allele origin: germline.
Comment: This variant was observed in the ICSL laboratory as part of a predisposition screen in an ostensibly healthy population. It had not been previously curated by ICSL or reported in the Human Gene Mutation Database (HGMD: prior to June 1st, 2018), and was therefore a candidate for classification through an automated scoring system. Utilizing variant allele frequency, disease prevalence and penetrance estimates, and inheritance mode, an automated score was calculated to assess if this variant is too frequent to cause the disease. Based on the score and internal cut-off values, a variant classified as benign is not then subjected to further curation. The score for this variant resulted in a classification of benign for this disease.

Illumina Laboratory Services, Illumina
Classification: Benign for Craniometaphyseal dysplasia, autosomal dominant. Last evaluated: 2018-01-12. Review status: criteria provided, single submitter. Criteria: ICSL Variant Classification Criteria 13 December 2019. Collection method: clinical testing. Allele origin: germline.
Comment: the same text as in the submission from Illumina Laboratory Services, Illumina above.